The following is an entry in ClinVar:

NM_138393.4(REEP6):c.116-6C>T

Gene: REEP6 (receptor accessory protein 6; plus strand). Cytogenetic location: 19p13.3.
Variant type: single nucleotide variant.
Coding change: c.116-6C>T on transcript NM_138393.4 (MANE Select); 6 bases into the intron before coding-DNA position 116, C replaced by T.
Molecular consequence: intron variant.
Genome position (GRCh38, 1-based): chr19:1,495,288, C>T. VCF-style: chr19-1495288-C-T. GRCh37 (hg19) VCF-style: chr19-1495287-C-T.
Other names: c.116-6C>T (NM_001329556.3, NM_001329556.1).
Identifiers: ClinVar variation 1139570 (VCV001139570.12), dbSNP rs762249273, ClinGen allele CA9047398.

ClinVar aggregate classification (germline): Likely benign. Review status: criteria provided, multiple submitters, no conflicts (2 of 4 stars). 3 submissions from 3 submitters: Likely benign (2). 1 of the submissions does not count toward it. Last evaluated 2026-01-20.

Conditions:
REEP6-related disorder. Also called: REEP6-related condition.

gnomAD v4.1: 196 of 1,611,258 alleles (0.012%); highest among the groups gnomAD compares: Middle Eastern, 0.082%; no homozygotes.

Submissions (3):

Labcorp Genetics (formerly Invitae), Labcorp
Classification: Likely benign. Last evaluated: 2026-01-20. Review status: criteria provided, single submitter. Criteria: Invitae Variant Classification Sherloc (09022015). Collection method: clinical testing. Allele origin: germline.

Blueprint Genetics
Classification: Likely benign. Last evaluated: 2024-11-28. Review status: criteria provided, single submitter. Criteria: ACMG Guidelines, 2015. Collection method: clinical testing. Allele origin: germline.

PreventionGenetics, part of Exact Sciences
Classification: Likely benign for REEP6-related condition. Last evaluated: 2020-02-20. Review status: no assertion criteria provided. Collection method: clinical testing. Allele origin: germline. Not counted in ClinVar's aggregate classification.
Comment: This variant is classified as likely benign based on ACMG/AMP sequence variant interpretation guidelines (Richards et al. 2015 PMID: 25741868, with internal and published modifications).